The following is an entry in ClinVar:

NM_002439.5(MSH3):c.2559A>C (p.Glu853Asp)

Gene: MSH3 (mutS homolog 3; plus strand). Cytogenetic location: 5q14.1.
Variant type: single nucleotide variant.
Coding change: c.2559A>C on transcript NM_002439.5 (MANE Select); coding-DNA position 2559, A replaced by C.
Protein change: p.Glu853Asp; replaces glutamic acid 853 with aspartic acid.
Molecular consequence: missense variant.
Genome position (GRCh38, 1-based): chr5:80,792,748, A>C. VCF-style: chr5-80792748-A-C. GRCh37 (hg19) VCF-style: chr5-80088567-A-C.
Other names: c.2559A>C (NM_002439.3); short protein forms E853D.
Identifiers: ClinVar variation 967208 (VCV000967208.10), dbSNP rs1744629924, ClinGen allele CA360272855.

ClinVar aggregate classification (germline): Uncertain significance. Review status: criteria provided, multiple submitters, no conflicts (2 of 4 stars). 2 submissions from 2 submitters: Uncertain significance (2). Last evaluated 2024-01-09.

Conditions:
Hereditary cancer-predisposing syndrome. Also called: Hereditary neoplastic syndrome; Neoplastic Syndromes, Hereditary; Hereditary Cancer Syndrome; Tumor predisposition. Identifiers: Orphanet 140162, MedGen C0027672, MeSH D009386, MONDO:0015356.

Submissions (2):

Ambry Genetics
Classification: Uncertain significance for Hereditary cancer-predisposing syndrome. Last evaluated: 2024-01-09. Review status: criteria provided, single submitter. Criteria: Ambry Variant Classification Scheme 2023. Collection method: clinical testing. Allele origin: germline.
Comment: The p.E853D variant (also known as c.2559A>C), located in coding exon 19 of the MSH3 gene, results from an A to C substitution at nucleotide position 2559. The glutamic acid at codon 853 is replaced by aspartic acid, an amino acid with highly similar properties. This amino acid position is conserved. In addition, this alteration is predicted to be tolerated by in silico analysis. Since supporting evidence is limited at this time, the clinical significance of this alteration remains unclear.

Labcorp Genetics (formerly Invitae), Labcorp
Classification: Uncertain significance. Last evaluated: 2023-12-11. Review status: criteria provided, single submitter. Criteria: Invitae Variant Classification Sherloc (09022015). Collection method: clinical testing. Allele origin: germline.
Comment: This sequence change replaces glutamic acid, which is acidic and polar, with aspartic acid, which is acidic and polar, at codon 853 of the MSH3 protein (p.Glu853Asp). This variant is not present in population databases (gnomAD no frequency). This variant has not been reported in the literature in individuals affected with MSH3-related conditions. ClinVar contains an entry for this variant (Variation ID: 967208). Algorithms developed to predict the effect of missense changes on protein structure and function output the following: SIFT: "Not Available"; PolyPhen-2: "Benign"; Align-GVGD: "Not Available". The aspartic acid amino acid residue is found in multiple mammalian species, which suggests that this missense change does not adversely affect protein function. In summary, the available evidence is currently insufficient to determine the role of this variant in disease. Therefore, it has been classified as a Variant of Uncertain Significance.